The following is an entry in ClinVar:

ClinVar aggregate classification (germline): Uncertain significance. Review status: criteria provided, multiple submitters, no conflicts (2 of 4 stars). 2 submissions from 2 submitters: Uncertain significance (2). Last evaluated 2024-06-03.

Conditions:
Dilated cardiomyopathy 1JJ (CMD1JJ). Identifiers: Orphanet 154, MedGen C3808935, MONDO:0014095, OMIM 615235.
Cardiovascular phenotype. Identifiers: MedGen CN230736.

Allele frequency attached by ClinVar (database versions not stated): gnomAD 0.00001; gnomAD exomes 0.00001; ExAC 0.00002; TOPMed 0.00002.
gnomAD v4.1: 4 of 1,614,038 alleles (0.00025%); highest among the groups gnomAD compares: African/African-American, 0.0053%; no homozygotes.

Submissions (2):

Labcorp Genetics (formerly Invitae), Labcorp
Classification: Uncertain significance for Dilated cardiomyopathy 1JJ. Last evaluated: 2024-06-03. Review status: criteria provided, single submitter. Criteria: Invitae Variant Classification Sherloc (09022015). Collection method: clinical testing. Allele origin: germline.
Comment: This sequence change replaces aspartic acid, which is acidic and polar, with valine, which is neutral and non-polar, at codon 605 of the LAMA4 protein (p.Asp605Val). This variant is present in population databases (rs782157527, gnomAD 0.02%). This variant has not been reported in the literature in individuals affected with LAMA4-related conditions. ClinVar contains an entry for this variant (Variation ID: 940732). An algorithm developed to predict the effect of missense changes on protein structure and function (PolyPhen-2) suggests that this variant is likely to be disruptive. In summary, the available evidence is currently insufficient to determine the role of this variant in disease. Therefore, it has been classified as a Variant of Uncertain Significance.

Ambry Genetics
Classification: Uncertain significance for Cardiovascular phenotype. Last evaluated: 2023-09-13. Review status: criteria provided, single submitter. Criteria: Ambry Variant Classification Scheme 2023. Collection method: clinical testing. Allele origin: germline.
Comment: The p.D605V variant (also known as c.1814A>T), located in coding exon 14 of the LAMA4 gene, results from an A to T substitution at nucleotide position 1814. The aspartic acid at codon 605 is replaced by valine, an amino acid with highly dissimilar properties. This amino acid position is highly conserved in available vertebrate species. In addition, the in silico prediction for this alteration is inconclusive. The evidence for this gene-disease relationship is limited; therefore, the clinical significance of this alteration is unclear.

NM_001105206.3(LAMA4):c.1835A>T (p.Asp612Val)

Gene: LAMA4 (laminin subunit alpha 4; minus strand). Cytogenetic location: 6q21.
Variant type: single nucleotide variant.
Coding change: c.1835A>T on transcript NM_001105206.3 (MANE Select); coding-DNA position 1835, A replaced by T.
Protein change: p.Asp612Val; replaces aspartic acid 612 with valine.
Molecular consequence: missense variant.
Genome position (GRCh38, 1-based): chr6:112,155,689, T>A on the plus strand (A>T on the coding strand, the complement: LAMA4 is on the minus strand). VCF-style: chr6-112155689-T-A. GRCh37 (hg19) VCF-style: chr6-112476891-T-A.
Other names: c.1814A>T, p.Asp605Val (NM_001105207.3, NM_002290.5); c.1814A>T (NM_002290.3); short protein forms D605V, D612V.
Identifiers: ClinVar variation 940732 (VCV000940732.11), dbSNP rs782157527, ClinGen allele CA3965653.